The following is an entry in ClinVar:

ClinVar aggregate classification (germline): Likely benign (1 of 4 stars; one submission).

Allele frequency attached by ClinVar (database versions not stated): TOPMed 0.00008; gnomAD 0.00009; ESP Exome Variant Server 0.00023; gnomAD exomes 0.00007; ExAC 0.00008.
gnomAD v4.1: 115 of 1,591,918 alleles (0.0072%); highest among the groups gnomAD compares: Non-Finnish European, 0.009%; no homozygotes.

Submission:

CeGaT Center for Human Genetics Tuebingen
Classification: Likely benign. Last evaluated: 2022-06-01. Review status: criteria provided, single submitter. Criteria: CeGaT Center For Human Genetics Tuebingen Variant Classification Criteria Version 2. Collection method: clinical testing. Allele origin: germline. Affected: yes. Observed: 1 variant allele.
Comment: IQSEC1: BP4, BP7

NM_001134382.3(IQSEC1):c.1743C>T (p.Asp581=)

Gene: IQSEC1 (IQ motif and Sec7 domain ArfGEF 1; minus strand). Cytogenetic location: 3p25.2.
Variant type: single nucleotide variant.
Coding change: c.1743C>T on transcript NM_001134382.3 (MANE Select); coding-DNA position 1743, C replaced by T.
Protein change: p.Asp581=; no amino-acid change (aspartic acid 581 retained).
Molecular consequence: synonymous variant.
Genome position (GRCh38, 1-based): chr3:12,922,230, G>A on the plus strand (C>T on the coding strand, the complement: IQSEC1 is on the minus strand). VCF-style: chr3-12922230-G-A. GRCh37 (hg19) VCF-style: chr3-12963730-G-A.
Other names: c.1419C>T, p.Asp473= (NM_001330619.3); c.2067C>T, p.Asp689= (NM_001376938.2); c.1785C>T, p.Asp595= (NM_014869.8).
Identifiers: ClinVar variation 2653555 (VCV002653555.24), dbSNP rs199999091, ClinGen allele CA2262179.